The following is an entry in ClinVar:

ClinVar aggregate classification (germline): Likely benign. Review status: criteria provided, multiple submitters, no conflicts (2 of 4 stars). 4 submissions from 4 submitters: Likely benign (4). Last evaluated 2026-02-01.

Conditions:
Cardiovascular phenotype. Identifiers: MedGen CN230736.

gnomAD v4.1: 79 of 1,613,580 alleles (0.0049%); highest among the groups gnomAD compares: East Asian, 0.02%; 1 homozygote.

Submissions (4):

Labcorp Genetics (formerly Invitae), Labcorp
Classification: Likely benign. Last evaluated: 2026-02-01. Review status: criteria provided, single submitter. Criteria: Invitae Variant Classification Sherloc (09022015). Collection method: clinical testing. Allele origin: germline.

Mayo Clinic Laboratories, Mayo Clinic
Classification: Likely benign. Last evaluated: 2025-09-11. Review status: criteria provided, single submitter. Criteria: ACMG Guidelines, 2015. Collection method: clinical testing. Allele origin: germline. Observed: 1 variant allele.
Comment: BP4, BP7

Ambry Genetics
Classification: Likely benign for Cardiovascular phenotype. Last evaluated: 2020-08-30. Review status: criteria provided, single submitter. Criteria: Ambry Variant Classification Scheme 2023. Collection method: clinical testing. Allele origin: germline.

GeneDx
Classification: Likely benign. Last evaluated: 2019-05-17. Review status: criteria provided, single submitter. Criteria: GeneDx Variant Classification Process June 2021. Collection method: clinical testing. Allele origin: germline. Affected: yes.

NM_001365276.2(TNXB):c.9219C>T (p.Pro3073=)

Gene: TNXB (tenascin XB; minus strand). Cytogenetic location: 6p21.33.
Variant type: single nucleotide variant.
Coding change: c.9219C>T on transcript NM_001365276.2 (MANE Select); coding-DNA position 9219, C replaced by T.
Protein change: p.Pro3073=; no amino-acid change (proline 3073 retained).
Molecular consequence: synonymous variant.
Genome position (GRCh38, 1-based): chr6:32,050,218, G>A on the plus strand (C>T on the coding strand, the complement: TNXB is on the minus strand). VCF-style: chr6-32050218-G-A. GRCh37 (hg19) VCF-style: chr6-32017995-G-A.
Other names: p.Pro3071=; c.9213C>T, p.Pro3071= (NM_019105.8).
Identifiers: ClinVar variation 1188624 (VCV001188624.6), dbSNP rs367937124, ClinGen allele CA3733594.
Genomic context (GRCh38, chr6:32,050,218, plus strand): 5'-CTGGACCAGGAAGTGGTCAAACTGGCCCTCGGGAACCATCCAGGACAGGCTGAGGGAGTC[G>A]GGGGTGGCATCTGTCACGGTCAGCTCCCCCAGGCGAGGCTTGATGGGGGGCTCAGGGGTC-3'
Protein context (NP_001352205.1, residues 3063-3083): LGELTVTDAT[Pro3073=]DSLSLSWMVP